The following is an entry in ClinVar:

NM_213599.3(ANO5):c.2273G>A (p.Arg758His)

Gene: ANO5 (anoctamin 5; plus strand). Cytogenetic location: 11p14.3.
Variant type: single nucleotide variant.
Coding change: c.2273G>A on transcript NM_213599.3 (MANE Select); coding-DNA position 2273, G replaced by A.
Protein change: p.Arg758His; replaces arginine 758 with histidine.
Molecular consequence: missense variant.
Genome position (GRCh38, 1-based): chr11:22,274,606, G>A. VCF-style: chr11-22274606-G-A. GRCh37 (hg19) VCF-style: chr11-22296152-G-A.
Other names: c.2270G>A, p.Arg757His (NM_001142649.2); short protein forms R758H, R757H.
Identifiers: ClinVar variation 594026 (VCV000594026.15), dbSNP rs369058382, ClinGen allele CA5923514.
Genomic context (GRCh38, chr11:22,274,606, plus strand): 5'-CTCTTTTTTTTTTTATTCTTCAGGCCTTTATTGTTGCATTTACGTCAGACATCATTCCCC[G>A]TCTAGTTTACTACTATGCTTACTCAACAAATGCCACACAGCCTATGACAGGATATGTGAA-3'
Protein context (NP_998764.1, residues 748-768): IVAFTSDIIP[Arg758His]LVYYYAYSTN

ClinVar aggregate classification (germline): Conflicting classifications of pathogenicity. Review status: criteria provided, conflicting classifications (1 of 4 stars). 3 submissions from 3 submitters: Likely pathogenic (1); Uncertain significance (2). Last evaluated 2025-09-29.

Conditions:
Autosomal recessive limb-girdle muscular dystrophy type 2L (LGMDR12). Also called: MUSCULAR DYSTROPHY, LIMB-GIRDLE, AUTOSOMAL RECESSIVE 12; Limb-girdle muscular dystrophy, type 2L; Limb-Girdle Muscular Dystrophy R12 Anoctamin-5-Related (LGMD-R12). Identifiers: Orphanet 206549, MedGen C1969785, MONDO:0012652, OMIM 611307.
Gnathodiaphyseal dysplasia (GDD). Also called: GNATHODIAPHYSEAL SCLEROSIS; OSTEOGENESIS IMPERFECTA WITH UNUSUAL SKELETAL LESIONS. Identifiers: Orphanet 53697, MedGen C1833736, MONDO:0008151, OMIM 166260.

Allele frequency attached by ClinVar (database versions not stated): gnomAD exomes 0.00002; ExAC 0.00003; TOPMed 0.00007; ESP Exome Variant Server 0.00008; gnomAD 0.00012.
gnomAD v4.1: 54 of 1,603,810 alleles (0.0034%); highest among the groups gnomAD compares: African/African-American, 0.027%; no homozygotes.

Submissions (3):

Labcorp Genetics (formerly Invitae), Labcorp
Classification: Likely pathogenic for Autosomal recessive limb-girdle muscular dystrophy type 2L; Gnathodiaphyseal dysplasia. Last evaluated: 2025-09-29. Review status: criteria provided, single submitter. Criteria: Invitae Variant Classification Sherloc (09022015). Collection method: clinical testing. Allele origin: germline.
Comment: This sequence change replaces arginine, which is basic and polar, with histidine, which is basic and polar, at codon 758 of the ANO5 protein (p.Arg758His). This variant is present in population databases (rs369058382, gnomAD 0.02%). This variant has not been reported in the literature in individuals affected with ANO5-related conditions. ClinVar contains an entry for this variant (Variation ID: 594026). Invitae Evidence Modeling of protein sequence and biophysical properties (such as structural, functional, and spatial information, amino acid conservation, physicochemical variation, residue mobility, and thermodynamic stability) indicates that this missense variant is expected to disrupt ANO5 protein function with a positive predictive value of 95%. This variant disrupts the p.Arg758 amino acid residue in ANO5. Other variant(s) that disrupt this residue have been determined to be pathogenic (PMID: 21186264, 21739273, 22980763, 24803842, 25135358). This suggests that this residue is clinically significant, and that variants that disrupt this residue are likely to be disease-causing. In summary, the currently available evidence indicates that the variant is pathogenic, but additional data are needed to prove that conclusively. Therefore, this variant has been classified as Likely Pathogenic.

Revvity Omics, Revvity
Classification: Uncertain significance. Last evaluated: 2023-01-27. Review status: criteria provided, single submitter. Criteria: ACMG Guidelines, 2015. Collection method: clinical testing. Allele origin: germline.

Eurofins Ntd Llc (ga)
Classification: Uncertain significance. Last evaluated: 2017-09-14. Review status: criteria provided, single submitter. Criteria: EGL Classification Definitions 2015. Collection method: clinical testing. Allele origin: germline. Observed: 1 variant allele, 1 heterozygote.

Literature cited by the submitters: PubMed 21186264 (cited by Labcorp Genetics (formerly Invitae), Labcorp); PubMed 21739273 (cited by Labcorp Genetics (formerly Invitae), Labcorp); PubMed 22980763 (cited by Labcorp Genetics (formerly Invitae), Labcorp); PubMed 24803842 (cited by Labcorp Genetics (formerly Invitae), Labcorp); PubMed 25135358 (cited by Labcorp Genetics (formerly Invitae), Labcorp).